The following is an entry in ClinVar:

NM_000257.4(MYH7):c.3801G>A (p.Gln1267=)

Gene: MYH7 (myosin heavy chain 7; minus strand). Cytogenetic location: 14q11.2.
Variant type: single nucleotide variant.
Coding change: c.3801G>A on transcript NM_000257.4 (MANE Select); coding-DNA position 3801, G replaced by A.
Protein change: p.Gln1267=; no amino-acid change (glutamine 1267 retained).
Molecular consequence: synonymous variant.
Genome position (GRCh38, 1-based): chr14:23,419,535, C>T on the plus strand (G>A on the coding strand, the complement: MYH7 is on the minus strand). VCF-style: chr14-23419535-C-T. GRCh37 (hg19) VCF-style: chr14-23888744-C-T.
Other names: c.3801G>A (LRG_384t1).
Identifiers: ClinVar variation 391288 (VCV000391288.11), dbSNP rs200000290, ClinGen allele CA16606534.

ClinVar aggregate classification (germline): Likely benign. Review status: criteria provided, multiple submitters, no conflicts (2 of 4 stars). 2 submissions from 2 submitters: Likely benign (2). Last evaluated 2025-10-10.

Conditions:
Hypertrophic cardiomyopathy. Also called: HYPERTROPHIC MYOCARDIOPATHY. Identifiers: Orphanet 217569, MedGen C0007194, MeSH D002312, MONDO:0005045, HP:0001639.

gnomAD v4.1: 1 of 1,614,074 alleles (0.000062%); highest among the groups gnomAD compares: Non-Finnish European, 0.000085%; no homozygotes.

Submissions (2):

Labcorp Genetics (formerly Invitae), Labcorp
Classification: Likely benign for Hypertrophic cardiomyopathy. Last evaluated: 2025-10-10. Review status: criteria provided, single submitter. Criteria: Invitae Variant Classification Sherloc (09022015). Collection method: clinical testing. Allele origin: germline.

GeneDx
Classification: Likely benign. Last evaluated: 2016-11-29. Review status: criteria provided, single submitter. Criteria: GeneDx Variant Classification (06012015). Collection method: clinical testing. Allele origin: germline. Affected: yes.
Comment: This variant is considered likely benign or benign based on one or more of the following criteria: it is a conservative change, it occurs at a poorly conserved position in the protein, it is predicted to be benign by multiple in silico algorithms, and/or has population frequency not consistent with disease.